The following is an entry in ClinVar:

ClinVar aggregate classification (germline): Benign/Likely benign. Review status: criteria provided, multiple submitters, no conflicts (2 of 4 stars). 2 submissions from 2 submitters: Benign (1); Likely benign (1). Last evaluated 2025-02-28.

Conditions:
Mitochondrial complex II deficiency, nuclear type 1. Also called: SUCCINATE CoQ REDUCTASE DEFICIENCY. Identifiers: Orphanet 3208, MedGen C5700310, MONDO:0100294, OMIM 252011.
Pheochromocytoma/paraganglioma syndrome 5. Also called: Paragangliomas 5; SDHA-Related Hereditary Paraganglioma-Pheochromocytoma Syndrome. Identifiers: Orphanet 29072, MedGen C3279992, MONDO:0013602, OMIM 614165.

Submissions (2):

Myriad Genetics, Inc.
Classification: Benign for Pheochromocytoma/paraganglioma syndrome 5. Last evaluated: 2025-02-28. Review status: criteria provided, single submitter. Criteria: Myriad Autosomal Dominant, Autosomal Recessive and X-Linked Classification Criteria (2023). Collection method: clinical testing. Allele origin: unknown.
Comment: This variant is considered benign. This variant is a silent/synonymous amino acid change and it is not expected to impact splicing.

Labcorp Genetics (formerly Invitae), Labcorp
Classification: Likely benign for Pheochromocytoma/paraganglioma syndrome 5; Mitochondrial complex II deficiency, nuclear type 1. Last evaluated: 2024-10-11. Review status: criteria provided, single submitter. Criteria: Invitae Variant Classification Sherloc (09022015). Collection method: clinical testing. Allele origin: germline.

NM_004168.4(SDHA):c.54G>A (p.Leu18=)

Gene: SDHA (succinate dehydrogenase complex flavoprotein subunit A; plus strand). Cytogenetic location: 5p15.33.
Variant type: single nucleotide variant.
Coding change: c.54G>A on transcript NM_004168.4 (MANE Select); coding-DNA position 54, G replaced by A.
Protein change: p.Leu18=; no amino-acid change (leucine 18 retained).
Molecular consequence: synonymous variant.
Genome position (GRCh38, 1-based): chr5:218,409, G>A. VCF-style: chr5-218409-G-A. GRCh37 (hg19) VCF-style: chr5-218524-G-A.
Other names: c.54G>A, p.Leu18= (NM_001294332.2, NM_001330758.2).
Identifiers: ClinVar variation 2943882 (VCV002943882.4), dbSNP rs1268905760, ClinGen allele CA442689570.